The following is an entry in ClinVar:

ClinVar aggregate classification (germline): Uncertain significance. Review status: reviewed by expert panel (3 of 4 stars). 2 submissions from 2 submitters: Uncertain significance (1). 1 of the submissions does not count toward it. Last evaluated 2024-02-20.

Conditions:
Platelet-type bleeding disorder 16 (BDPLT16). Also called: Bleeding disorder, platelet-type, 16, autosomal dominant. Identifiers: Orphanet 140957, MedGen C5442010, MONDO:0008552, OMIM 187800.
Glanzmann thrombasthenia. Also called: PLATELET GLYCOPROTEIN IIb-IIIa DEFICIENCY; Glanzmann's thrombasthenia; Thrombasthenia; BLEEDING DISORDER, PLATELET-TYPE, 2; THROMBASTHENIA OF GLANZMANN AND NAEGELI. Identifiers: Orphanet 849, MedGen C0040015, MONDO:0100326.

Submissions (2):

ClinGen Platelet Disorders Variant Curation Expert Panel, ClinGen
Classification: Uncertain significance for Glanzmann thrombasthenia. Last evaluated: 2024-02-20. Review status: reviewed by expert panel. Criteria: ClinGen Platelet ACMG Specifications v2-1. Collection method: curation. Allele origin: germline. Inheritance: Autosomal recessive inheritance.
Comment: The ITGA2B missense variant NM_000419.5:c.1142C>T replaces the threonine residue with an isoleucine residue (p.Thr381Ile) and is absent from control population databases, including gonmADv4.0 (PM2_supporting). This variant has been observed in heterozygosity in an individual suspected to have Glanzmann's thrombasthenia (GT) (GT-71 in PMID: 30792900), however sufficient information to confirm if the individual's phenotype is specific for GT was not provided and a second ITGA2B variant was not identified. In summary, this variant is of uncertain significance and lacks sufficient evidence to be classified as pathogenic or benign for GT. GT-specific criteria applied: PM2_supporting.

Baylor Genetics
Classification: Uncertain significance for Platelet-type bleeding disorder 16. Last evaluated: 2020-02-14. Review status: criteria provided, single submitter. Criteria: ACMG Guidelines, 2015. Collection method: clinical testing. Allele origin: unknown. Affected: yes. Not counted in ClinVar's aggregate classification.
Comment: This variant was determined to be of uncertain significance according to ACMG Guidelines, 2015 [PMID:25741868].

NM_000419.5(ITGA2B):c.1142C>T (p.Thr381Ile)

Gene: ITGA2B (integrin subunit alpha 2b; minus strand). Cytogenetic location: 17q21.31.
Variant type: single nucleotide variant.
Coding change: c.1142C>T on transcript NM_000419.5 (MANE Select); coding-DNA position 1142, C replaced by T.
Protein change: p.Thr381Ile; replaces threonine 381 with isoleucine.
Molecular consequence: missense variant.
Genome position (GRCh38, 1-based): chr17:44,383,561, G>A on the plus strand (C>T on the coding strand, the complement: ITGA2B is on the minus strand). VCF-style: chr17-44383561-G-A. GRCh37 (hg19) VCF-style: chr17-42460929-G-A.
Other names: short protein forms T381I.
Identifiers: ClinVar variation 1030779 (VCV001030779.3), dbSNP rs2048614738, ClinGen allele CA399804396.